The following continues an entry in ClinVar:

NM_006231.4(POLE):c.16G>C (p.Gly6Arg)

ClinVar aggregate classification (germline): Conflicting classifications of pathogenicity. Uncertain significance (2); Benign (7); Likely benign (11).

Submissions 24 to 27 of 27:

Clinical Genetics, Academic Medical Center
Classification: Likely benign. Review status: no assertion criteria provided. Collection method: clinical testing. Allele origin: germline. Affected: yes. Study: VKGL Data-share Consensus. Not counted in ClinVar's aggregate classification.

Department of Pathology and Laboratory Medicine, Sinai Health System
Classification: Benign for Carcinoma of colon. Review status: no assertion criteria provided. Collection method: clinical testing. Allele origin: unknown. Affected: yes. Study: The Canadian Open Genetics Repository (COGR). Not counted in ClinVar's aggregate classification.
Comment: The POLE p.Gly6Arg variant was not identified in the literature nor was it identified in the MutDB database. The variant was identified in the following databases: dbSNP (ID: rs202220778) as â€šÃ„ÃºWith other alleleâ€šÃ„Ã¹, ClinVar and Clinvitae (9x as benign by Invitae and Ambry Genetics, as likely benign by Children's Hospital of Philadelphia, University of Washington Medical Center, Counsyl, GeneDx, Quest Diagnostics, Integrated Genetics, and as uncertain significance by Center for Pediatric Genomic Medicine). The variant was identified in control databases in 353 of 136976 chromosomes (2 homozygous) at a frequency of 0.0025 increasing the likelihood this could be a low frequency variant (Genome Aggregation Database Feb 27, 2017). The variant was observed in the African in 13 of 11652 chromosomes (freq: 0.0011), â€šÃ„ÃºOtherâ€šÃ„Ã¹ in 11 of 3924 chromosomes (freq: 0.003), Latino in 51 of 21270 chromosomes (freq: 0.002), European Non-Finnish in 220 of 52786 chromosomes (freq: 0.004), Ashkenazi Jewish in 44 of 7670 chromosomes (freq: 0.006), European Finnish in 10 of 11688 chromosomes (freq: 0.00085), and South Asian in 4 of 19714 chromosomes (freq: 0.000203). While the variant was not observed in the East Asian, populations. The p.Gly6Arg residue is not conserved in mammals and four out of five computational analyses (PolyPhen-2, SIFT, AlignGVGD, BLOSUM, MutationTaster) do not suggest a high likelihood of impact to the protein; however, this information is not predictive enough to rule out pathogenicity. The variant occurs outside of the splicing consensus sequence and in silico or computational prediction software programs (SpliceSiteFinder, MaxEntScan, NNSPLICE, GeneSplicer, HumanSpliceFinder) do not predict a difference in splicing. In summary, based on the above information this variant meets our laboratory's criteria to be classified as benign.

Genome Diagnostics Laboratory, Amsterdam University Medical Center
Classification: Likely benign. Review status: no assertion criteria provided. Collection method: clinical testing. Allele origin: germline. Affected: yes. Study: VKGL Data-share Consensus. Not counted in ClinVar's aggregate classification.

Laboratory of Diagnostic Genome Analysis, Leiden University Medical Center (LUMC)
Classification: Likely benign. Review status: no assertion criteria provided. Collection method: clinical testing. Allele origin: germline. Affected: yes. Study: VKGL Data-share Consensus. Not counted in ClinVar's aggregate classification.

Literature cited by the submitters: PubMed 27244218 (cited by Women's Health and Genetics/Laboratory Corporation of America, LabCorp).